The following is an entry in ClinVar:

ClinVar aggregate classification (germline): Pathogenic (1 of 4 stars; one submission).

Submission:

Labcorp Genetics (formerly Invitae), Labcorp
Classification: Pathogenic. Last evaluated: 2022-08-01. Review status: criteria provided, single submitter. Criteria: Invitae Variant Classification Sherloc (09022015). Collection method: clinical testing. Allele origin: germline.
Comment: ClinVar contains an entry for this variant (Variation ID: 1451544). This sequence change creates a premature translational stop signal (p.Gly579Aspfs*9) in the TCIRG1 gene. It is expected to result in an absent or disrupted protein product. Loss-of-function variants in TCIRG1 are known to be pathogenic (PMID: 10888887, 10942435, 11532986, 19448635). This variant is not present in population databases (gnomAD no frequency). This variant has not been reported in the literature in individuals affected with TCIRG1-related conditions. For these reasons, this variant has been classified as Pathogenic.

Literature cited by the submitters: PubMed 10888887; PubMed 10942435; PubMed 11532986; PubMed 19448635.

NM_006019.4(TCIRG1):c.1736del (p.Gly579fs)

Gene: TCIRG1 (T cell immune regulator 1, ATPase H+ transporting V0 subunit a3; plus strand). Cytogenetic location: 11q13.2.
Variant type: Deletion.
Coding change: c.1736del on transcript NM_006019.4 (MANE Select); coding-DNA position 1736, one base deleted (G; older notation c.1736delG).
Protein change: p.Gly579fs; shifts the reading frame from glycine 579.
Molecular consequence: frameshift variant.
Genome position (GRCh38, 1-based): chr11:68,049,143, G deleted; the last of 3 consecutive G bases (chr11:68,049,141-68,049,143); deleting any one gives the same sequence. VCF-style (leftmost placement, unchanged base first): chr11-68049140-TG-T. GRCh37 (hg19) VCF-style: chr11-67816607-TG-T.
Other names: c.842del, p.Gly281fs (NM_001351059.2); c.1088del, p.Gly363fs (NM_006053.4); short protein forms G579fs, G281fs, G363fs.
Identifiers: ClinVar variation 1451544 (VCV001451544.6), dbSNP rs2134460391, ClinGen allele CA2573147507.
Genomic context (GRCh38, chr11:68,049,140, plus strand): 5'-GGCACTTTGGCCAGAGGCACCGGCTGCTGCTGGAGACGCTGCCGGAGCTCACCTTCCTGC[TG>T]GGACTCTTCGGTTACCTCGTGTTCCTAGTCATCTACAAGTGGCTGTGTGTCTGGGCTGCC-3'